The following is an entry in ClinVar:

NC_000006.11:g.(?_70385640)_(70411846_70423536)dup

Gene: LMBRD1 (LMBR1 domain containing 1; minus strand). Cytogenetic location: 6q13.
Variant type: Duplication.
Identifiers: ClinVar variation 1722444 (VCV001722444.1).

ClinVar aggregate classification (germline): Uncertain significance (1 of 4 stars; one submission).

Submission:

Women's Health and Genetics/Laboratory Corporation of America, LabCorp
Classification: Uncertain significance. Last evaluated: 2022-09-21. Review status: criteria provided, single submitter. Criteria: LabCorp Variant Classification Summary - May 2015. Collection method: clinical testing. Allele origin: germline.
Comment: Variant summary: The variant identified by MLPA or other technology involves the duplication of exons 10-16, which involves the last exon in the LMBRD1 gene. The exact breakpoint at the 3' end of this variant is unknown and therefore this duplication might extend downstream of the assayed region of this gene. A presumed nomenclature of c.(915+1_916-1)_(*410_?)dup has been designated for the purposes of this classification. It has been assumed that this is a tandem duplication in direct orientation (Richardson_GIM_2018, Newman_AJHG_2015). Since the exact breakpoints of this duplication are not known, it is not possible to predict the protein level effect of this variant. The variant was absent in 21666 control chromosomes in the gnomAD database, structural variants dataset. The available data on variant occurrences in the general population are insufficient to allow any conclusion about variant significance. To our knowledge, no occurrence of c.(915+1_916-1)_(*410_?)dup in individuals affected with Methylmalonic Acidemia with Homocystinuria and no experimental evidence demonstrating its impact on protein function have been reported. No clinical diagnostic laboratories have submitted clinical-significance assessments for this variant to ClinVar after 2014. In conclusion, while it may be assumed that duplication variants including a large DNA segment downstream of the gene might result in regular transcription- and translation termination with an unaffected protein product, however shorter tandem duplication variants involving the last exon may result in a frameshift or in-frame duplication change, or can affect the 3' UTR end of the mRNA, which might be associated with disease. Since it is not possible to distinguish between these two outcomes in the context of this evaluation, the variant was classified as uncertain significance.